The following is an entry in ClinVar:

NM_001876.4(CPT1A):c.1963C>G (p.Arg655Gly)

Gene: CPT1A (carnitine palmitoyltransferase 1A; minus strand). Cytogenetic location: 11q13.3.
Variant type: single nucleotide variant.
Coding change: c.1963C>G on transcript NM_001876.4 (MANE Select); coding-DNA position 1963, C replaced by G.
Protein change: p.Arg655Gly; replaces arginine 655 with glycine.
Molecular consequence: missense variant.
Genome position (GRCh38, 1-based): chr11:68,761,600, G>C on the plus strand (C>G on the coding strand, the complement: CPT1A is on the minus strand). VCF-style: chr11-68761600-G-C. GRCh37 (hg19) VCF-style: chr11-68529068-G-C.
Other names: c.1963C>G, p.Arg655Gly (NM_001031847.3); short protein forms R655G.
Identifiers: ClinVar variation 2043272 (VCV002043272.4), dbSNP rs763042338, ClinGen allele CA381626670.

ClinVar aggregate classification (germline): Uncertain significance (1 of 4 stars; one submission).

Conditions:
Carnitine palmitoyl transferase 1A deficiency. Also called: CPT I DEFICIENCY; CPT DEFICIENCY, HEPATIC, TYPE I; Carnitine palmitoyltransferase type I deficiency; CPT deficiency, hepatic, type IA; Carnitine palmitoyltransferase 1A deficiency. Identifiers: Orphanet 156, MedGen C1829703, MONDO:0009705, OMIM 255120.

gnomAD v4.1: 2 of 1,614,032 alleles (0.00012%); highest among the groups gnomAD compares: South Asian, 0.0022%; no homozygotes.

Submission:

Labcorp Genetics (formerly Invitae), Labcorp
Classification: Uncertain significance for Carnitine palmitoyl transferase 1A deficiency. Last evaluated: 2022-04-06. Review status: criteria provided, single submitter. Criteria: Invitae Variant Classification Sherloc (09022015). Collection method: clinical testing. Allele origin: germline.
Comment: In summary, the available evidence is currently insufficient to determine the role of this variant in disease. Therefore, it has been classified as a Variant of Uncertain Significance. Algorithms developed to predict the effect of missense changes on protein structure and function are either unavailable or do not agree on the potential impact of this missense change (SIFT: "Deleterious"; PolyPhen-2: "Probably Damaging"; Align-GVGD: "Class C0"). This variant has not been reported in the literature in individuals affected with CPT1A-related conditions. This variant is not present in population databases (gnomAD no frequency). This sequence change replaces arginine, which is basic and polar, with glycine, which is neutral and non-polar, at codon 655 of the CPT1A protein (p.Arg655Gly).